The following is an entry in ClinVar:

NM_183357.3(ADCY5):c.3584A>C (p.Gln1195Pro)

Gene: ADCY5 (adenylate cyclase 5; minus strand). Cytogenetic location: 3q21.1.
Variant type: single nucleotide variant.
Coding change: c.3584A>C on transcript NM_183357.3 (MANE Select); coding-DNA position 3584, A replaced by C.
Protein change: p.Gln1195Pro; replaces glutamine 1195 with proline.
Molecular consequence: missense variant.
Genome position (GRCh38, 1-based): chr3:123,286,758, T>G on the plus strand (A>C on the coding strand, the complement: ADCY5 is on the minus strand). VCF-style: chr3-123286758-T-G. GRCh37 (hg19) VCF-style: chr3-123005605-T-G.
Other names: c.2534A>C, p.Gln845Pro (NM_001199642.1); c.3659A>C, p.Gln1220Pro (NM_001378259.1); short protein forms Q1195P, Q845P, Q1220P.
Identifiers: ClinVar variation 451099 (VCV000451099.5), dbSNP rs1553716347, ClinGen allele CA354222363.

ClinVar aggregate classification (germline): Uncertain significance (1 of 4 stars; one submission).

Submission:

GeneDx
Classification: Uncertain significance. Last evaluated: 2025-03-04. Review status: criteria provided, single submitter. Criteria: GeneDx Variant Classification Process June 2021. Collection method: clinical testing. Allele origin: germline. Affected: yes.
Comment: Not observed at significant frequency in large population cohorts (gnomAD); In silico analysis supports that this missense variant has a deleterious effect on protein structure/function; Has not been previously published as pathogenic or benign to our knowledge